The following is an entry in ClinVar:

ClinVar aggregate classification (germline): Uncertain significance (1 of 4 stars; one submission).

Conditions:
Hereditary cancer-predisposing syndrome. Also called: Neoplastic Syndromes, Hereditary; Tumor predisposition; Hereditary Cancer Syndrome; Hereditary neoplastic syndrome. Identifiers: Orphanet 140162, MedGen C0027672, MeSH D009386, MONDO:0015356.

Submission:

Ambry Genetics
Classification: Uncertain significance for Hereditary cancer-predisposing syndrome. Last evaluated: 2022-06-13. Review status: criteria provided, single submitter. Criteria: Ambry Variant Classification Scheme 2023. Collection method: clinical testing. Allele origin: germline.
Comment: The p.N1197K variant (also known as c.3591C>G), located in coding exon 25 of the SMARCA4 gene, results from a C to G substitution at nucleotide position 3591. The asparagine at codon 1197 is replaced by lysine, an amino acid with similar properties. This amino acid position is highly conserved in available vertebrate species. In addition, the in silico prediction for this alteration is inconclusive. Missense and in-frame variants in SMARCA4 are known to cause neurodevelopmental disorders; however, such associations with rhabdoid tumor predisposition syndrome including small cell carcinoma of the ovary-hypercalcemic type (SCCOHT) are exceedingly rare (Kosho T et al. Am J Med Genet C Semin Med Genet. 2014 Sep;166C(3):262-75; Jelinic P et al. Nat Genet. 2014 May;46(5):424-6). Based on the supporting evidence, the association of this alteration with Coffin-Siris syndrome is unknown; however, the association of this alteration with rhabdoid tumor predisposition syndrome is unlikely.

NM_003072.5(SMARCA4):c.3591C>G (p.Asn1197Lys)

Gene: SMARCA4 (SWI/SNF related BAF chromatin remodeling complex subunit ATPase 4; plus strand). Cytogenetic location: 19p13.2.
Variant type: single nucleotide variant.
Coding change: c.3591C>G on transcript NM_003072.5 (MANE Select); coding-DNA position 3591, C replaced by G.
Protein change: p.Asn1197Lys; replaces asparagine 1197 with lysine.
Molecular consequence: missense variant. On other transcripts: non-coding transcript variant (1).
Genome position (GRCh38, 1-based): chr19:11,033,334, C>G. VCF-style: chr19-11033334-C-G. GRCh37 (hg19) VCF-style: chr19-11144010-C-G.
Other names: c.3591C>G, p.Asn1197Lys (NM_001387283.1, NM_001411150.1, NM_001128844.3 and 6 more transcripts); short protein forms N1197K.
Identifiers: ClinVar variation 1732993 (VCV001732993.2), dbSNP rs377275724, ClinGen allele CA404065291.
Genomic context (GRCh38, chr19:11,033,334, plus strand): 5'-GCACCTCTTCCCCCAGGACCTGCAAGCGCAGGACCGAGCCCACCGCATCGGGCAGCAGAA[C>G]GAGGTGCGTGTGCTCCGCCTCTGCACCGTCAACAGCGTGGAGGAGAAGATCCTAGCTGCA-3'
Protein context (NP_003063.2, residues 1187-1207): QDRAHRIGQQ[Asn1197Lys]EVRVLRLCTV